The following is an entry in ClinVar:

NM_000535.7(PMS2):c.1990C>T (p.Leu664=)

Gene: PMS2 (PMS1 homolog 2, mismatch repair system component; minus strand). Cytogenetic location: 7p22.1.
Variant type: single nucleotide variant.
Coding change: c.1990C>T on transcript NM_000535.7 (MANE Select); coding-DNA position 1990, C replaced by T.
Protein change: p.Leu664=; no amino-acid change (leucine 664 retained).
Molecular consequence: synonymous variant. On other transcripts: non-coding transcript variant (1), intron variant (1).
Genome position (GRCh38, 1-based): chr7:5,986,775, G>A on the plus strand (C>T on the coding strand, the complement: PMS2 is on the minus strand). VCF-style: chr7-5986775-G-A. GRCh37 (hg19) VCF-style: chr7-6026406-G-A.
Other names: c.1585C>T, p.Leu529= (NM_001018040.1, NM_001322003.2, NM_001322004.2 and 17 more transcripts); c.1834C>T, p.Leu612= (NM_001322006.2, NM_001406870.1); c.1672C>T, p.Leu558= (NM_001322007.2, NM_001322008.2, NM_001406876.1 and 2 more transcripts); c.1429C>T, p.Leu477= (NM_001322010.2, NM_001406906.1, NM_001406907.1); c.1057C>T, p.Leu353= (NM_001322011.2, NM_001322012.2); c.1417C>T, p.Leu473= (NM_001322013.2, NM_001406909.1); c.1990C>T, p.Leu664= (NM_001322014.2, NM_001406871.1, NM_001406872.1); c.1681C>T, p.Leu561= (NM_001322015.2, NM_001406875.1, NM_001406877.1 and 5 more transcripts); and 13 more.
Identifiers: ClinVar variation 2566087 (VCV002566087.6), dbSNP rs1782919030, ClinGen allele CA453745689.

ClinVar aggregate classification (germline): Benign/Likely benign. Review status: criteria provided, multiple submitters, no conflicts (2 of 4 stars). 3 submissions from 3 submitters: Benign (1); Likely benign (2). Last evaluated 2025-02-03.

Conditions:
Hereditary nonpolyposis colorectal neoplasms. Identifiers: MedGen C0009405, MeSH D003123.
Hereditary cancer-predisposing syndrome. Also called: Neoplastic Syndromes, Hereditary; Hereditary Cancer Syndrome; Hereditary neoplastic syndrome; Tumor predisposition. Identifiers: Orphanet 140162, MedGen C0027672, MeSH D009386, MONDO:0015356.
Lynch syndrome 4 (LYNCH4). Also called: Colorectal cancer, hereditary nonpolyposis, type 4; Hereditary non-polyposis colorectal cancer, type 4. Identifiers: Orphanet 144, MedGen C1838333, MONDO:0013699, OMIM 614337. Disease mechanism: loss of function.

Submissions (3):

Myriad Genetics, Inc.
Classification: Benign for Lynch syndrome 4. Last evaluated: 2025-02-03. Review status: criteria provided, single submitter. Criteria: Myriad Autosomal Dominant, Autosomal Recessive and X-Linked Classification Criteria (2023). Collection method: clinical testing. Allele origin: unknown.
Comment: This variant is considered benign. This variant is a silent/synonymous amino acid change and it is not expected to impact splicing.

Labcorp Genetics (formerly Invitae), Labcorp
Classification: Likely benign for Hereditary nonpolyposis colorectal neoplasms. Last evaluated: 2024-01-09. Review status: criteria provided, single submitter. Criteria: Invitae Variant Classification Sherloc (09022015). Collection method: clinical testing. Allele origin: germline.

Ambry Genetics
Classification: Likely benign for Hereditary cancer-predisposing syndrome. Last evaluated: 2023-05-27. Review status: criteria provided, single submitter. Criteria: Ambry Variant Classification Scheme 2023. Collection method: clinical testing. Allele origin: germline.